The following is an entry in ClinVar:

ClinVar aggregate classification (germline): Uncertain significance (1 of 4 stars; one submission).

Conditions:
FDFT1-related disorder. Also called: FDFT1-related condition.

Submission:

PreventionGenetics, part of Exact Sciences
Classification: Uncertain significance for FDFT1-related condition. Last evaluated: 2023-07-21. Review status: criteria provided, single submitter. Criteria: ACMG Guidelines, 2015. Collection method: clinical testing. Allele origin: germline.
Comment: The FDFT1 c.231_232insCACTCCCACTCCCACTCCCACTCCCACTCCCACTCCCACTCCCACTCCCACTCCCACTCC variant is predicted to result in an in-frame amino acid insertion (p.Ser77_Cys78insHisSerHisSerHisSerHisSerHisSerHisSerHisSerHisSerHisSerHisSer). To our knowledge, this variant has not been reported in the literature or in a large population database, indicating this variant is rare. At this time, the clinical significance of this variant is uncertain due to the absence of conclusive functional and genetic evidence.

NM_004462.5(FDFT1):c.100-84TCCCAC[16]

Gene: FDFT1 (farnesyl-diphosphate farnesyltransferase 1). Cytogenetic location: 8p23.1.
Variant type: Microsatellite.
Coding change: c.100-84TCCCAC[16] on transcript NM_004462.5 (MANE Select); 16 copies in a row of the 6-base unit TCCCAC starting at c.100-84.
Molecular consequence: intron variant. On other transcripts: inframe indel (1), inframe insertion (1).
Genome position: GRCh38, VCF-style position (the base before the change): chr8:11,808,709. GRCh37 (hg19), VCF-style position (the base before the change): chr8:11,666,218.
Other names: c.231_232insCACTCCCACTCCCACTCCCACTCCCACTCCCACTCCCACTCCCACTCCCACTCCCACTCC (NM_001287750.1); c.196CACTCC[16], p.Ser77_Cys78insHisSerHisSerHisSerHisSerHisSerHisSerHisSerHisSerHisSerHisSer (NM_001287750.2); c.100-84TCCCAC[16] (NM_001287742.2, NM_001287743.2); c.-93-84TCCCAC[16] (NM_001287744.2, NM_001287745.2, NM_001287747.2 and 2 more transcripts); c.64+5800TCCCAC[16] (NM_001287756.2).
Identifiers: ClinVar variation 2631608 (VCV002631608.1), dbSNP rs71711801, ClinGen allele CA1110743702.